The following is an entry in ClinVar:

NM_001136191.3(KANK2):c.1949C>T (p.Ala650Val)

Gene: KANK2 (KN motif and ankyrin repeat domains 2; minus strand). Cytogenetic location: 19p13.2.
Variant type: single nucleotide variant.
Coding change: c.1949C>T on transcript NM_001136191.3 (MANE Select); coding-DNA position 1949, C replaced by T.
Protein change: p.Ala650Val; replaces alanine 650 with valine.
Molecular consequence: missense variant.
Genome position (GRCh38, 1-based): chr19:11,174,592, G>A on the plus strand (C>T on the coding strand, the complement: KANK2 is on the minus strand). VCF-style: chr19-11174592-G-A. GRCh37 (hg19) VCF-style: chr19-11285268-G-A.
Other names: c.1949C>T, p.Ala650Val (NM_001329451.2, NM_001379555.1, NM_001379556.1 and 7 more transcripts); c.1973C>T, p.Ala658Val (NM_001379548.1, NM_001379549.1, NM_001379550.1 and 5 more transcripts); short protein forms A658V, A650V.
Identifiers: ClinVar variation 2007190 (VCV002007190.4), dbSNP rs555486186, ClinGen allele CA404080431.

ClinVar aggregate classification (germline): Uncertain significance (1 of 4 stars; one submission).

Submission:

Labcorp Genetics (formerly Invitae), Labcorp
Classification: Uncertain significance. Last evaluated: 2022-06-15. Review status: criteria provided, single submitter. Criteria: Invitae Variant Classification Sherloc (09022015). Collection method: clinical testing. Allele origin: germline.
Comment: In summary, the available evidence is currently insufficient to determine the role of this variant in disease. Therefore, it has been classified as a Variant of Uncertain Significance. Algorithms developed to predict the effect of missense changes on protein structure and function are either unavailable or do not agree on the potential impact of this missense change (SIFT: "Tolerated"; PolyPhen-2: "Probably Damaging"; Align-GVGD: "Class C0"). This variant has not been reported in the literature in individuals affected with KANK2-related conditions. This variant is not present in population databases (gnomAD no frequency). This sequence change replaces alanine, which is neutral and non-polar, with valine, which is neutral and non-polar, at codon 650 of the KANK2 protein (p.Ala650Val).